The following is an entry in ClinVar:

ClinVar aggregate classification (germline): Uncertain significance (1 of 4 stars; one submission).

Submission:

Women's Health and Genetics/Laboratory Corporation of America, LabCorp
Classification: Uncertain significance. Last evaluated: 2023-10-06. Review status: criteria provided, single submitter. Criteria: LabCorp Variant Classification Summary - May 2015. Collection method: clinical testing. Allele origin: germline.
Comment: Variant summary: Variant summary: The variant CFTR c.[220C>T_c.3808G>A] (p.[Arg74Trp_p.Asp1270Asn]) represents a complex allele involving the alteration of two nucleotides. The allele frequency of this complex variant could not be determined from population databases such as gnomAD and 1000G because the individual variants of the complex have variable frequencies and the exact number of alleles representing a combination of the three in cis is unknown. However, based on the frequency of the least prevalent allele, namely c.3808G>A, it can be estimated that the complex variant allele will be found at a frequency not to exceed 0.0016 in 287654 control chromosomes. While it is unknown if all the variants reported in 1000G were truly in cis, 23 Africans carried c.220C>T and 22 Africans carried c.3808G>A, thus it was assumed that the majority of 1000G Africans with c.220C>T carry the complex allele; additionally, 1 homozygous African was identified in 1000G. This complex allele is predominantly observed in the African subpopulation at a frequency of 0.018 (24/1322) in the 1000G cohort and at a frequency of 0.014 (341/24960) in the gnomAD cohort. This frequency is close to the estimated maximal expected allele frequency of a pathogenic CFTR variant (0.013). However, this calculated maximal expected allele frequency does not consider the prevalence of compound heterozygotes or the prevalence of CBAVD relative to CF as a phenotype, therefore it may represent an underestimation. In a conservative cross-sectional review of the associated literature, this complex allele has been reported: 1. on the opposite chromosome of an obligate carrier mother (2813AA>G) of a CF child who inherited 2183AA>G. This mother presented with subclinical disease manifesting as 85-90 meq/L on two measurements (Verlingue_1993), 2. as a homozygous genotype in one comprehensively genotyped patient with CBAVD (Ratbi_2007), 3. as a non-informative genotype in patients with idiopathic/chronic pancreatitis (Pelletier_2010), and 6. This is consistent with the observation of mildly affected females with elevated sweat chloride levels (example Verlingue_1993) or unaffected females with a subclinical phenotype who are compound heterozygotes for this complex allele in trans with another pathogenic CFTR variant (example, Claustres_2004). Although most patient occurrences of this complex allele have been compound heterozygotes with known deleterious CFTR variants, at-least 1 homozygous French CBAVD patient has been reported (Claustres_2000, Ratbi_2007). The possibility of a third variant, c.601G>A (p.Val201Met) representing a triple-variant complex allele with a more penetrant pathogenic outcome relative to this double variant allele has been reported (Claustres_2004). However, the extent of genotyping and varying reports make it challenging to unequivocally confirm the presence or absence of c.601G>A in all previously reported CBAVD patients with the c.[220C>T_c.3808G>A] complex allele. At least two publications reporting experimental evidence evaluating an impact on protein function were ascertained. From a functional standpoint, although this complex allele matured completely with complete processing and normal processing time, conductance functional studies indicate mildly impaired function (Fanen_1999). In contrast, a subsequent functional study utilizing a similar methodology demonstrated a 36% reduction of mature glycosylated form of CFTR (64% of wild type) and a 57% reduction in CFTR activity (43 % of wild type) measured as rate of iodide efflux (Terlizzi_2016). CFTR2 lists these two variants separately as "variant with varying consequences". No clinical diagnostic laboratories have submitted clinical-significance assessments for this complex variant combination to ClinVar after 2014. Based on the evidence outlined above, this complex allele was classified as VUS-possibly pathogenic for CBAVD, pancreatically sufficient CF and CFTR-related disorders.

Literature cited by the submitters: PubMed 15371903; PubMed 9921909; PubMed 7529962; PubMed 10875853; PubMed 15520400; PubMed 17331079; PubMed 7532150; PubMed 15287992; PubMed 10923036; PubMed 10386624; PubMed 17329263; PubMed 7513889; PubMed 20460946; PubMed 24451227; PubMed 26014425; PubMed 27738188; PubMed 28546993; PubMed 32357917.

NM_000492.4(CFTR):c.[220C>T;3808G>A]

Variant type: Haplotype.
Identifiers: ClinVar variation 977735 (VCV000977735.5).